The following is an entry in ClinVar:

NM_000540.3(RYR1):c.11887A>G (p.Ser3963Gly)

Gene: RYR1 (ryanodine receptor 1; plus strand). Cytogenetic location: 19q13.2.
Variant type: single nucleotide variant.
Coding change: c.11887A>G on transcript NM_000540.3 (MANE Select); coding-DNA position 11887, A replaced by G.
Protein change: p.Ser3963Gly; replaces serine 3963 with glycine.
Molecular consequence: missense variant.
Genome position (GRCh38, 1-based): chr19:38,543,640, A>G. VCF-style: chr19-38543640-A-G. GRCh37 (hg19) VCF-style: chr19-39034280-A-G.
Other names: c.11872A>G, p.Ser3958Gly (NM_001042723.2); short protein forms S3958G, S3963G.
Identifiers: ClinVar variation 3385569 (VCV003385569.1).

ClinVar aggregate classification (germline): Uncertain significance (1 of 4 stars; one submission).

Conditions:
Malignant hyperthermia, susceptibility to, 1 (MHS1). Also called: Anesthesia related hyperthermia; Malignant hyperpyrexia; Fulminating hyperpyrexia; Pharmacogenic myopathy; Malignant hyperthermia suceptibility 1; RYR1-Related Malignant Hyperthermia Susceptibility. Identifiers: Orphanet 423, MedGen C2930980, MONDO:0007783, OMIM 145600.

Submission:

All of Us Research Program, National Institutes of Health
Classification: Uncertain significance for Malignant hyperthermia, susceptibility to, 1. Last evaluated: 2024-07-20. Review status: criteria provided, single submitter. Criteria: ACMG Guidelines, 2015. Collection method: clinical testing. Allele origin: germline. Inheritance: Autosomal dominant inheritance. Observed: 1 variant allele, 1 heterozygote.
Comment: This missense variant replaces serine with glycine at codon 3963 of the RYR1 protein. Computational prediction suggests that this variant may have deleterious impact on protein structure and function (internally defined REVEL score threshold >= 0.7, PMID: 27666373). To our knowledge, functional studies have not been reported for this variant. This variant has not been reported in individuals affected with RYR1-related disorders in the literature. This variant has not been identified in the general population by the Genome Aggregation Database (gnomAD). The available evidence is insufficient to determine the role of this variant in disease conclusively. Therefore, this variant is classified as a Variant of Uncertain Significance.

This study involves interpretation of variants in research participants for the purpose of population health screening. Participant phenotype was not available at the time of variant classification. Additional details can be found in publication PMID: 35346344, PMCID: PMC8962531